The following is an entry in ClinVar:

ClinVar aggregate classification (germline): Pathogenic/Likely pathogenic. Review status: criteria provided, multiple submitters, no conflicts (2 of 4 stars). 4 submissions from 4 submitters: Pathogenic (2); Likely pathogenic (1). 1 of the submissions does not count toward it. Last evaluated 2025-07-09.

Conditions:
Hereditary cancer-predisposing syndrome. Also called: Neoplastic Syndromes, Hereditary; Hereditary Cancer Syndrome; Tumor predisposition; Hereditary neoplastic syndrome. Identifiers: Orphanet 140162, MedGen C0027672, MeSH D009386, MONDO:0015356.
Cardiovascular phenotype. Identifiers: MedGen CN230736.
Atypical coarctation of aorta. Also called: Midaortic syndrome. Identifiers: Orphanet 1456, MedGen C3496579, MONDO:0015446.
Neurofibromatosis, type 1 (NF1). Also called: VON RECKLINGHAUSEN DISEASE; NEUROFIBROMATOSIS, TYPE I, SOMATIC; Peripheral type neurofibromatosis; Neurofibromatosis, type I. Identifiers: Orphanet 636, MedGen C0027831, MONDO:0018975, OMIM 162200. Disease mechanism: loss of function.

Submissions (4):

Ambry Genetics
Classification: Pathogenic for Cardiovascular phenotype; Hereditary cancer-predisposing syndrome. Last evaluated: 2025-07-09. Review status: criteria provided, single submitter. Criteria: Ambry Variant Classification Scheme 2023. Collection method: clinical testing. Allele origin: germline.
Comment: The c.1260+5G>A intronic pathogenic mutation results from a G to A substitution 5 nucleotides after coding exon 11 in the NF1 gene. In silico splice site analysis predicts that this alteration will weaken the native splice donor site. RNA studies have demonstrated that this alteration results in abnormal splicing in the set of samples tested (Ambry internal data). This variant was reported in individual(s) with features consistent with Neurofibromatosis type 1; in at least one individual, it was determined to be de novo (personal communication; Ambry internal data). This variant is considered to be rare based on population cohorts in the Genome Aggregation Database (gnomAD). Based on the supporting evidence, this variant is interpreted as a disease-causing mutation.

Labcorp Genetics (formerly Invitae), Labcorp
Classification: Pathogenic for Neurofibromatosis, type 1. Last evaluated: 2025-07-09. Review status: criteria provided, single submitter. Criteria: Invitae Variant Classification Sherloc (09022015). Collection method: clinical testing. Allele origin: germline.
Comment: This sequence change falls in intron 11 of the NF1 gene. It does not directly change the encoded amino acid sequence of the NF1 protein. It affects a nucleotide within the consensus splice site. This variant is not present in population databases (gnomAD no frequency). This variant has been observed in individual(s) with neurofibromatosis type 1 (PMID: 25074460, 29483232; internal data). In at least one individual the variant was observed to be de novo. Invitae Evidence Modeling of clinical and family history, age, sex, and reported ancestry of multiple individuals with this NF1 variant has been performed. This variant is expected to be pathogenic with a positive predictive value of at least 99%. This is a validated machine learning model that incorporates the clinical features of 1,785,918 individuals referred to our laboratory for NF1 testing. ClinVar contains an entry for this variant (Variation ID: 641476). Variants that disrupt the consensus splice site are a relatively common cause of aberrant splicing (PMID: 17576681, 9536098). Algorithms developed to predict the effect of sequence changes on RNA splicing suggest that this variant may disrupt the consensus splice site. For these reasons, this variant has been classified as Pathogenic.

CeGaT Center for Human Genetics Tuebingen
Classification: Likely pathogenic. Last evaluated: 2024-02-01. Review status: criteria provided, single submitter. Criteria: CeGaT Center For Human Genetics Tuebingen Variant Classification Criteria Version 2. Collection method: clinical testing. Allele origin: germline. Affected: yes. Observed: 1 variant allele.
Comment: NF1: PM2, PS4:Moderate, PP3, PP4, PS1:Supporting

Yale Center for Mendelian Genomics, Yale University
Classification: Likely pathogenic for Midaortic syndrome. Last evaluated: 2018-02-26. Review status: no assertion criteria provided. Collection method: literature only. Allele origin: germline. Affected: yes. Observed: 1 heterozygote. Not counted in ClinVar's aggregate classification.

Literature cited by the submitters: PubMed 25074460 (cited by Labcorp Genetics (formerly Invitae), Labcorp); PubMed 29483232 (cited by Labcorp Genetics (formerly Invitae), Labcorp and Yale Center for Mendelian Genomics, Yale University); PubMed 17576681 (cited by Labcorp Genetics (formerly Invitae), Labcorp); PubMed 9536098 (cited by Labcorp Genetics (formerly Invitae), Labcorp).

NM_001042492.3(NF1):c.1260+5G>A

Gene: NF1 (neurofibromin 1; plus strand). Cytogenetic location: 17q11.2.
Variant type: single nucleotide variant.
Coding change: c.1260+5G>A on transcript NM_001042492.3 (MANE Select); 5 bases into the intron after coding-DNA position 1260, G replaced by A.
Molecular consequence: intron variant.
Genome position (GRCh38, 1-based): chr17:31,201,490, G>A. VCF-style: chr17-31201490-G-A. GRCh37 (hg19) VCF-style: chr17-29528508-G-A.
Other names: c.1260+5G>A (NM_000267.4, NM_001128147.3).
Identifiers: ClinVar variation 641476 (VCV000641476.30), dbSNP rs1060500253, ClinGen allele CA915949682.